The following is an entry in ClinVar:

ClinVar aggregate classification (germline): Pathogenic (1 of 4 stars; one submission).

Conditions:
Juvenile polyposis syndrome (JPS). Identifiers: Orphanet 2929, MedGen C0345893, MONDO:0017380, OMIM 174900.

Submission:

Labcorp Genetics (formerly Invitae), Labcorp
Classification: Pathogenic for Juvenile polyposis syndrome. Last evaluated: 2025-10-01. Review status: criteria provided, single submitter. Criteria: Invitae Variant Classification Sherloc (09022015). Collection method: clinical testing. Allele origin: germline.
Comment: This sequence change creates a premature translational stop signal (p.Gly299Thrfs*8) in the SMAD4 gene. It is expected to result in an absent or disrupted protein product. Loss-of-function variants in SMAD4 are known to be pathogenic (PMID: 16152648, 16436638, 22810475). This variant is not present in population databases (gnomAD no frequency). This variant has not been reported in the literature in individuals affected with SMAD4-related conditions. ClinVar contains an entry for this variant (Variation ID: 2841060). For these reasons, this variant has been classified as Pathogenic.

Literature cited by the submitters: PubMed 16152648; PubMed 16436638; PubMed 22810475.

NM_005359.6(SMAD4):c.895_896del (p.Gly299fs)

Gene: SMAD4 (SMAD family member 4; plus strand). Cytogenetic location: 18q21.2.
Variant type: Deletion.
Coding change: c.895_896del on transcript NM_005359.6 (MANE Select); coding-DNA positions 895 to 896, 2 bases deleted (GG; older notation c.895_896delGG).
Protein change: p.Gly299fs; shifts the reading frame from glycine 299.
Molecular consequence: frameshift variant. On other transcripts: non-coding transcript variant (2).
Genome position (GRCh38, 1-based): chr18:51,058,447-51,058,448, GG deleted. VCF-style (leftmost placement, unchanged base first): chr18-51058446-CGG-C. GRCh37 (hg19) VCF-style: chr18-48584816-CGG-C.
Other names: c.895_896del, p.Gly299fs (NM_001407041.1, NM_001407042.1, NM_001407043.1); short protein forms G299fs.
Identifiers: ClinVar variation 2841060 (VCV002841060.3), dbSNP rs2511377496, ClinGen allele CA2739268751.